The following is an entry in ClinVar:

ClinVar aggregate classification (germline): Uncertain significance. Review status: criteria provided, multiple submitters, no conflicts (2 of 4 stars). 2 submissions from 2 submitters: Uncertain significance (2). Last evaluated 2024-05-12.

Conditions:
Severe combined immunodeficiency due to IKK2 deficiency. Also called: IMMUNODEFICIENCY 15B; Immunodeficiency 15. Identifiers: Orphanet 397787, MedGen C4747743, MONDO:0014267, OMIM 615592.
Inborn genetic diseases. Identifiers: MedGen C0950123, MeSH D030342.

Allele frequency attached by ClinVar (database versions not stated): gnomAD 0.00001; gnomAD exomes 0.00001 and 0.00003; ExAC 0.00003; TOPMed 0.00003.
gnomAD v4.1: 20 of 1,613,542 alleles (0.0012%); highest among the groups gnomAD compares: Admixed American, 0.015%; no homozygotes.

Submissions (2):

Labcorp Genetics (formerly Invitae), Labcorp
Classification: Uncertain significance for Severe combined immunodeficiency due to IKK2 deficiency. Last evaluated: 2024-05-12. Review status: criteria provided, single submitter. Criteria: Invitae Variant Classification Sherloc (09022015). Collection method: clinical testing. Allele origin: germline.
Comment: This sequence change replaces valine, which is neutral and non-polar, with methionine, which is neutral and non-polar, at codon 607 of the IKBKB protein (p.Val607Met). This variant is present in population databases (rs764627236, gnomAD 0.02%). This variant has not been reported in the literature in individuals affected with IKBKB-related conditions. ClinVar contains an entry for this variant (Variation ID: 839133). Advanced modeling of protein sequence and biophysical properties (such as structural, functional, and spatial information, amino acid conservation, physicochemical variation, residue mobility, and thermodynamic stability) performed at Invitae indicates that this missense variant is not expected to disrupt IKBKB protein function with a negative predictive value of 95%. In summary, the available evidence is currently insufficient to determine the role of this variant in disease. Therefore, it has been classified as a Variant of Uncertain Significance.

Ambry Genetics
Classification: Uncertain significance for Inborn genetic diseases. Last evaluated: 2022-03-16. Review status: criteria provided, single submitter. Criteria: Ambry Variant Classification Scheme 2023. Collection method: clinical testing. Allele origin: germline.

NM_001556.3(IKBKB):c.1819G>A (p.Val607Met)

Gene: IKBKB (inhibitor of nuclear factor kappa B kinase subunit beta; plus strand). Cytogenetic location: 8p11.21.
Variant type: single nucleotide variant.
Coding change: c.1819G>A on transcript NM_001556.3 (MANE Select); coding-DNA position 1819, G replaced by A.
Protein change: p.Val607Met; replaces valine 607 with methionine.
Molecular consequence: missense variant. On other transcripts: non-coding transcript variant (3).
Genome position (GRCh38, 1-based): chr8:42,322,134, G>A. VCF-style: chr8-42322134-G-A. GRCh37 (hg19) VCF-style: chr8-42179652-G-A.
Other names: c.1627G>A, p.Val543Met (NM_001190720.3); c.1642G>A, p.Val548Met (NM_001242778.2); short protein forms V548M, V607M, V543M.
Identifiers: ClinVar variation 839133 (VCV000839133.7), dbSNP rs764627236, ClinGen allele CA4732125.